The following is an entry in ClinVar:

NM_000348.4(SRD5A2):c.403G>A (p.Glu135Lys)

Gene: SRD5A2 (steroid 5 alpha-reductase 2; minus strand). Cytogenetic location: 2p23.1.
Variant type: single nucleotide variant.
Coding change: c.403G>A on transcript NM_000348.4 (MANE Select); coding-DNA position 403, G replaced by A.
Protein change: p.Glu135Lys; replaces glutamic acid 135 with lysine.
Molecular consequence: missense variant.
Genome position (GRCh38, 1-based): chr2:31,533,645, C>T on the plus strand (G>A on the coding strand, the complement: SRD5A2 is on the minus strand). VCF-style: chr2-31533645-C-T. GRCh37 (hg19) VCF-style: chr2-31758715-C-T.
Other names: short protein forms E135K.
Identifiers: ClinVar variation 2016323 (VCV002016323.4), dbSNP rs2465632720, ClinGen allele CA346598497.

ClinVar aggregate classification (germline): Uncertain significance (1 of 4 stars; one submission).

Conditions:
3-Oxo-5 alpha-steroid delta 4-dehydrogenase deficiency (PPSH). Also called: PSEUDOVAGINAL PERINEOSCROTAL HYPOSPADIAS; FAMILIAL INCOMPLETE MALE PSEUDOHERMAPHRODITISM, TYPE 2; 46,XY disorder of sex development due to 5-alpha-reductase 2 deficiency; MALE PSEUDOHERMAPHRODITISM DUE TO 5-ALPHA-REDUCTASE DEFICIENCY. Identifiers: Orphanet 753, MedGen C0268297, MONDO:0009923, OMIM 264600. Disease mechanism: loss of function.

Allele frequency attached by ClinVar (database versions not stated): gnomAD exomes below 0.00001.
gnomAD v4.1: 2 of 1,555,782 alleles (0.00013%); highest among the groups gnomAD compares: South Asian, 0.0024%; no homozygotes.

Submission:

Labcorp Genetics (formerly Invitae), Labcorp
Classification: Uncertain significance for 3-Oxo-5 alpha-steroid delta 4-dehydrogenase deficiency. Last evaluated: 2021-11-29. Review status: criteria provided, single submitter. Criteria: Invitae Variant Classification Sherloc (09022015). Collection method: clinical testing. Allele origin: germline.
Comment: This sequence change replaces glutamic acid, which is acidic and polar, with lysine, which is basic and polar, at codon 135 of the SRD5A2 protein (p.Glu135Lys). This variant is not present in population databases (gnomAD no frequency). This variant has not been reported in the literature in individuals affected with SRD5A2-related conditions. Experimental studies and prediction algorithms are not available or were not evaluated, and the functional significance of this variant is currently unknown. In summary, the available evidence is currently insufficient to determine the role of this variant in disease. Therefore, it has been classified as a Variant of Uncertain Significance.